The following is an entry in ClinVar:

ClinVar aggregate classification (germline): Uncertain significance (1 of 4 stars; one submission).

Conditions:
Beckwith-Wiedemann syndrome (BWS). Also called: Exomphalos macroglossia gigantism syndrome; EMG SYNDROME. Identifiers: Orphanet 116, MedGen C0004903, MONDO:0007534, OMIM 130650.

Submission:

Labcorp Genetics (formerly Invitae), Labcorp
Classification: Uncertain significance for Beckwith-Wiedemann syndrome. Last evaluated: 2021-10-21. Review status: criteria provided, single submitter. Criteria: Invitae Variant Classification Sherloc (09022015). Collection method: clinical testing. Allele origin: germline.
Comment: In summary, the available evidence is currently insufficient to determine the role of this variant in disease. Therefore, it has been classified as a Variant of Uncertain Significance. Experimental studies and prediction algorithms are not available or were not evaluated, and the functional significance of this variant is currently unknown. This variant has not been reported in the literature in individuals affected with CDKN1C-related conditions. The frequency data for this variant in the population databases is considered unreliable, as metrics indicate insufficient coverage at this position in the ExAC database. This variant, c.427_444dup, results in the insertion of 6 amino acid(s) to the CDKN1C protein (p.Ala143_Pro148dup), but otherwise preserves the integrity of the reading frame.

NM_001122630.2(CDKN1C):c.394_411dup (p.Ala132_Pro137dup)

Gene: CDKN1C (cyclin dependent kinase inhibitor 1C; minus strand). Cytogenetic location: 11p15.4.
Variant type: Duplication.
Coding change: c.394_411dup on transcript NM_001122630.2 (MANE Select); coding-DNA positions 394 to 411, 18 bases duplicated (GCCCCGGCGTCCACCCCG).
Protein change: p.Ala132_Pro137dup.
Molecular consequence: inframe insertion. On other transcripts: intron variant (1).
Genome position (GRCh38, 1-based): chr11:2,885,046-2,885,063, CGGGGTGGACGCCGGGGC duplicated on the plus strand (GCCCCGGCGTCCACCCCG on the coding strand, the reverse complement: CDKN1C is on the minus strand); duplicating any 18 consecutive bases within chr11:2,885,046-2,885,067 gives the same sequence; the c. name uses the placement nearest the transcript's 3' end. VCF-style (leftmost placement, unchanged base first): chr11-2885045-G-GCGGGGTGGACGCCGGGGC. GRCh37 (hg19) VCF-style: chr11-2906275-G-GCGGGGTGGACGCCGGGGC.
Other names: c.394_411dup, p.Ala132_Pro137dup (NM_001122631.2); c.427_444dup, p.Ala143_Pro148dup (NM_001362474.2, NM_000076.2); c.255+139_255+156dup (NM_001362475.2).
Identifiers: ClinVar variation 1386483 (VCV001386483.6), dbSNP rs2133784738, ClinGen allele CA2573145988.